The following is an entry in ClinVar:

NM_018124.4(RFWD3):c.1162G>C (p.Asp388His)

Gene: RFWD3 (ring finger and WD repeat domain 3; minus strand). Cytogenetic location: 16q23.1.
Variant type: single nucleotide variant.
Coding change: c.1162G>C on transcript NM_018124.4 (MANE Select); coding-DNA position 1162, G replaced by C.
Protein change: p.Asp388His; replaces aspartic acid 388 with histidine.
Molecular consequence: missense variant.
Genome position (GRCh38, 1-based): chr16:74,637,888, C>G on the plus strand (G>C on the coding strand, the complement: RFWD3 is on the minus strand). VCF-style: chr16-74637888-C-G. GRCh37 (hg19) VCF-style: chr16-74671786-C-G.
Other names: c.1162G>C, p.Asp388His (NM_001370534.1, NM_001370535.1, NM_001370536.1); c.328G>C, p.Asp110His (NM_001370537.1, NM_001370539.1, NM_001370540.1 and 3 more transcripts); short protein forms D110H, D388H.
Identifiers: ClinVar variation 3019583 (VCV003019583.3), dbSNP rs747901662, ClinGen allele CA396762322.

ClinVar aggregate classification (germline): Uncertain significance (1 of 4 stars; one submission).

Allele frequency attached by ClinVar (database versions not stated): TOPMed below 0.00001.

Submission:

Labcorp Genetics (formerly Invitae), Labcorp
Classification: Uncertain significance. Last evaluated: 2023-09-11. Review status: criteria provided, single submitter. Criteria: Invitae Variant Classification Sherloc (09022015). Collection method: clinical testing. Allele origin: germline.
Comment: In summary, the available evidence is currently insufficient to determine the role of this variant in disease. Therefore, it has been classified as a Variant of Uncertain Significance. An algorithm developed to predict the effect of missense changes on protein structure and function (PolyPhen-2) suggests that this variant is likely to be tolerated. This variant has not been reported in the literature in individuals affected with RFWD3-related conditions. This variant is not present in population databases (gnomAD no frequency). This sequence change replaces aspartic acid, which is acidic and polar, with histidine, which is basic and polar, at codon 388 of the RFWD3 protein (p.Asp388His).